The following is an entry in ClinVar:

ClinVar aggregate classification (germline): Uncertain significance. Review status: criteria provided, multiple submitters, no conflicts (2 of 4 stars). 2 submissions from 2 submitters: Uncertain significance (2). Last evaluated 2025-08-06.

Conditions:
Cardiovascular phenotype. Identifiers: MedGen CN230736.
Long QT syndrome (LQTS). Identifiers: MedGen C0023976, MeSH D008133, MONDO:0002442. Disease mechanism: loss of function. Inheritance: Various modes of inheritance.

Allele frequency attached by ClinVar (database versions not stated): gnomAD 0.00001; gnomAD exomes 0.00002; TOPMed 0.00002.
gnomAD v4.1: 33 of 1,614,016 alleles (0.002%); highest among the groups gnomAD compares: Non-Finnish European, 0.0027%; no homozygotes.

Submissions (2):

Ambry Genetics
Classification: Uncertain significance for Cardiovascular phenotype. Last evaluated: 2025-08-06. Review status: criteria provided, single submitter. Criteria: Ambry Variant Classification Scheme 2023. Collection method: clinical testing. Allele origin: germline.

Labcorp Genetics (formerly Invitae), Labcorp
Classification: Uncertain significance for Long QT syndrome. Last evaluated: 2024-10-18. Review status: criteria provided, single submitter. Criteria: Invitae Variant Classification Sherloc (09022015). Collection method: clinical testing. Allele origin: germline.
Comment: This sequence change replaces glutamine, which is neutral and polar, with arginine, which is basic and polar, at codon 3369 of the ANK2 protein (p.Gln3369Arg). This variant is present in population databases (rs761655038, gnomAD 0.002%). This variant has not been reported in the literature in individuals affected with ANK2-related conditions. ClinVar contains an entry for this variant (Variation ID: 2077382). An algorithm developed to predict the effect of missense changes on protein structure and function outputs the following: PolyPhen-2: "Benign". The arginine amino acid residue is found in multiple mammalian species, which suggests that this missense change does not adversely affect protein function. In summary, the available evidence is currently insufficient to determine the role of this variant in disease. Therefore, it has been classified as a Variant of Uncertain Significance.

NM_001148.6(ANK2):c.10106A>G (p.Gln3369Arg)

Gene: ANK2 (ankyrin 2; plus strand). Cytogenetic location: 4q26.
Variant type: single nucleotide variant.
Coding change: c.10106A>G on transcript NM_001148.6 (MANE Select); coding-DNA position 10106, A replaced by G.
Protein change: p.Gln3369Arg; replaces glutamine 3369 with arginine.
Molecular consequence: missense variant. On other transcripts: intron variant (68).
Genome position (GRCh38, 1-based): chr4:113,358,724, A>G. VCF-style: chr4-113358724-A-G. GRCh37 (hg19) VCF-style: chr4-114279880-A-G.
Other names: c.9872A>G, p.Gln3291Arg (NM_001386142.1); c.6506A>G, p.Gln2169Arg (NM_001386166.1); c.10247A>G, p.Gln3416Arg (NM_001386174.1); c.10223A>G, p.Gln3408Arg (NM_001386175.1); c.4412-2099A>G (NM_001386186.2, NM_001386148.2); c.4214-2099A>G (NM_001354269.3); c.4292-2099A>G (NM_001386187.2); c.4253-2099A>G (NM_001386147.1); and 35 more; short protein forms Q3408R, Q2169R, Q3416R, Q3291R, Q3369R.
Identifiers: ClinVar variation 2077382 (VCV002077382.6), dbSNP rs761655038, ClinGen allele CA103817774.